The following is an entry in ClinVar:

ClinVar aggregate classification (germline): Benign/Likely benign. Review status: criteria provided, multiple submitters, no conflicts (2 of 4 stars). 2 submissions from 2 submitters: Benign (1); Likely benign (1). Last evaluated 2024-07-16.

Allele frequency attached by ClinVar (database versions not stated): gnomAD exomes 0.00498; TOPMed 0.00377; gnomAD 0.00436 and 0.00465; 1000 Genomes Project 0.00120; 1000 Genomes Project 30x 0.00125; ExAC 0.00573; ESP Exome Variant Server 0.00408.
gnomAD v4.1: 10,124 of 1,612,002 alleles (0.63%); highest among the groups gnomAD compares: Non-Finnish European, 0.8%; 51 homozygotes.

Submissions (2):

Mayo Clinic Laboratories, Mayo Clinic
Classification: Benign. Last evaluated: 2024-07-16. Review status: criteria provided, single submitter. Criteria: ACMG Guidelines, 2015. Collection method: clinical testing. Allele origin: germline. Observed: 2 variant alleles.
Comment: BS1, BS2, BP4, BP7

GeneDx
Classification: Likely benign. Last evaluated: 2021-01-16. Review status: criteria provided, single submitter. Criteria: GeneDx Variant Classification Process June 2021. Collection method: clinical testing. Allele origin: germline. Affected: yes.

NM_001081.4(CUBN):c.3009-29C>A

Gene: CUBN (cubilin; minus strand). Cytogenetic location: 10p13.
Variant type: single nucleotide variant.
Coding change: c.3009-29C>A on transcript NM_001081.4 (MANE Select); 29 bases into the intron before coding-DNA position 3009, C replaced by A.
Molecular consequence: intron variant.
Genome position (GRCh38, 1-based): chr10:17,065,667, G>T on the plus strand (C>A on the coding strand, the complement: CUBN is on the minus strand). VCF-style: chr10-17065667-G-T. GRCh37 (hg19) VCF-style: chr10-17107666-G-T.
Other names: p.?.
Identifiers: ClinVar variation 1318651 (VCV001318651.3), dbSNP rs149041253, ClinGen allele CA5424785.
Genomic context (GRCh38, chr10:17,065,667, plus strand): 5'-TGAGAGATGGCGGGATCGACTTTCCACAGTATCTATTCCAAACCAAGAAAGGACAGATGT[G>T]TGTATTTTAGTTTGGTATACTGAAAATGATGTAACAAAAATTTGGACATGTAAATATAAT-3'